The following is an entry in ClinVar:

NM_001378615.1(CC2D2A):c.3360A>G (p.Pro1120=)

Genes: CC2D2A (coiled-coil and C2 domain containing 2A; plus strand), FBXL5 (F-box and leucine rich repeat protein 5; minus strand). Cytogenetic location: 4p15.32.
Variant type: single nucleotide variant.
Coding change: c.3360A>G on transcript NM_001378615.1 (MANE Select); coding-DNA position 3360, A replaced by G.
Protein change: p.Pro1120=; no amino-acid change (proline 1120 retained).
Molecular consequence: synonymous variant.
Genome position (GRCh38, 1-based): chr4:15,567,748, A>G. VCF-style: chr4-15567748-A-G. GRCh37 (hg19) VCF-style: chr4-15569371-A-G.
Other names: c.3360A>G, p.Pro1120= (NM_001080522.2); c.3213A>G, p.Pro1071= (NM_001378617.1).
Identifiers: ClinVar variation 1099974 (VCV001099974.11), dbSNP rs2109070685, ClinGen allele CA438388644.

ClinVar aggregate classification (germline): Likely benign. Review status: criteria provided, single submitter (1 of 4 stars). 2 submissions from 2 submitters: Likely benign (1). 1 of the submissions does not count toward it. Last evaluated 2026-01-17.

Conditions:
Joubert syndrome. Also called: JOUBERT-BOLTSHAUSER SYNDROME; Familial aplasia of the vermis. Identifiers: Orphanet 475, MedGen C5979921, MONDO:0018772.
Meckel-Gruber syndrome. Also called: DYSENCEPHALIA SPLANCHNOCYSTICA; GRUBER SYNDROME; Dysencephalia splachnocystica. Identifiers: Orphanet 564, MedGen C0265215, MONDO:0018921.
CC2D2A-related disorder. Also called: CC2D2A-related disorders; CC2D2A-related condition. Identifiers: MedGen CN239313.

Submissions (2):

Labcorp Genetics (formerly Invitae), Labcorp
Classification: Likely benign for Joubert syndrome; Meckel-Gruber syndrome. Last evaluated: 2026-01-17. Review status: criteria provided, single submitter. Criteria: Invitae Variant Classification Sherloc (09022015). Collection method: clinical testing. Allele origin: germline.

PreventionGenetics, part of Exact Sciences
Classification: Likely benign for CC2D2A-related condition. Last evaluated: 2023-09-14. Review status: no assertion criteria provided. Collection method: clinical testing. Allele origin: germline. Not counted in ClinVar's aggregate classification.
Comment: This variant is classified as likely benign based on ACMG/AMP sequence variant interpretation guidelines (Richards et al. 2015 PMID: 25741868, with internal and published modifications).